The following is an entry in ClinVar:

NM_172362.3(KCNH1):c.2234G>A (p.Arg745Gln)

Gene: KCNH1 (potassium voltage-gated channel subfamily H member 1; minus strand). Cytogenetic location: 1q32.2.
Variant type: single nucleotide variant.
Coding change: c.2234G>A on transcript NM_172362.3 (MANE Select); coding-DNA position 2234, G replaced by A.
Protein change: p.Arg745Gln; replaces arginine 745 with glutamine.
Molecular consequence: missense variant.
Genome position (GRCh38, 1-based): chr1:210,684,017, C>T on the plus strand (G>A on the coding strand, the complement: KCNH1 is on the minus strand). VCF-style: chr1-210684017-C-T. GRCh37 (hg19) VCF-style: chr1-210857359-C-T.
Other names: c.2153G>A, p.Arg718Gln (NM_002238.4); short protein forms R718Q, R745Q.
Identifiers: ClinVar variation 1355439 (VCV001355439.8), dbSNP rs2149001196, ClinGen allele CA344871591.
Genomic context (GRCh38, chr1:210,684,017, plus strand): 5'-TCTAGGTCATCCAGGTCCCGGCCCCCTCTCTCAGCTGCCAGCCTGGCCTCTTTCTGCTGT[C>T]GGAATCTCTGGAAGAGGCGCCGGACAGGGTGGTCCGGGGGCAAGATCAGGGGGGCCTCAT-3'
Protein context (NP_758872.1, residues 735-755): HPVRRLFQRF[Arg745Gln]QQKEARLAAE

ClinVar aggregate classification (germline): Uncertain significance (1 of 4 stars; one submission).

gnomAD v4.1: 4 of 1,594,208 alleles (0.00025%); highest among the groups gnomAD compares: Non-Finnish European, 0.00034%; no homozygotes.

Submission:

Labcorp Genetics (formerly Invitae), Labcorp
Classification: Uncertain significance. Last evaluated: 2025-02-26. Review status: criteria provided, single submitter. Criteria: Invitae Variant Classification Sherloc (09022015). Collection method: clinical testing. Allele origin: germline.
Comment: This sequence change replaces arginine, which is basic and polar, with glutamine, which is neutral and polar, at codon 745 of the KCNH1 protein (p.Arg745Gln). This variant is not present in population databases (gnomAD no frequency). This variant has not been reported in the literature in individuals affected with KCNH1-related conditions. ClinVar contains an entry for this variant (Variation ID: 1355439). Invitae Evidence Modeling of protein sequence and biophysical properties (such as structural, functional, and spatial information, amino acid conservation, physicochemical variation, residue mobility, and thermodynamic stability) has been performed for this missense variant. However, the output from this modeling did not meet the statistical confidence thresholds required to predict the impact of this variant on KCNH1 protein function. In summary, the available evidence is currently insufficient to determine the role of this variant in disease. Therefore, it has been classified as a Variant of Uncertain Significance.